The following is an entry in ClinVar:

NM_001164508.2(NEB):c.21269C>T (p.Pro7090Leu)

Gene: NEB (nebulin; minus strand). Cytogenetic location: 2q23.3.
Variant type: single nucleotide variant.
Coding change: c.21269C>T on transcript NM_001164508.2 (MANE Select); coding-DNA position 21269, C replaced by T.
Protein change: p.Pro7090Leu; replaces proline 7090 with leucine.
Molecular consequence: missense variant.
Genome position (GRCh38, 1-based): chr2:151,535,734, G>A on the plus strand (C>T on the coding strand, the complement: NEB is on the minus strand). VCF-style: chr2-151535734-G-A. GRCh37 (hg19) VCF-style: chr2-152392248-G-A.
Other names: c.21269C>T, p.Pro7090Leu (NM_001164507.2, NM_001271208.2); c.16166C>T, p.Pro5389Leu (NM_004543.5); short protein forms P5389L, P7090L.
Identifiers: ClinVar variation 1019753 (VCV001019753.4), dbSNP rs752467283, ClinGen allele CA57635122.
Genomic context (GRCh38, chr2:151,535,734, plus strand): 5'-AGTTTATTCATACATACCTCATTCATCAATTGAGTTGCATACTTGAAATGCCTATTGATC[G>A]GAGAGTCGGCAACATACTTGAAATCTGACTTTGTCCTTTCAAATACTTCTTTATACTTAT-3'
Protein context (NP_001157980.2, residues 7080-7100): KSDFKYVADS[Pro7090Leu]INRHFKYATQ

ClinVar aggregate classification (germline): Uncertain significance (1 of 4 stars; one submission).

Conditions:
Nemaline myopathy 2 (NEM2). Also called: Nemaline myopathy 2, autosomal recessive. Identifiers: MedGen C1850569, MONDO:0009725, OMIM 256030.

Allele frequency attached by ClinVar (database versions not stated): gnomAD 0.00001; TOPMed 0.00003.
gnomAD v4.1: 7 of 1,609,226 alleles (0.00043%); highest among the groups gnomAD compares: Admixed American, 0.0034%; no homozygotes.

Submission:

Labcorp Genetics (formerly Invitae), Labcorp
Classification: Uncertain significance for Nemaline myopathy 2. Last evaluated: 2022-07-11. Review status: criteria provided, single submitter. Criteria: Invitae Variant Classification Sherloc (09022015). Collection method: clinical testing. Allele origin: germline.
Comment: This sequence change replaces proline, which is neutral and non-polar, with leucine, which is neutral and non-polar, at codon 7090 of the NEB protein (p.Pro7090Leu). This variant is not present in population databases (gnomAD no frequency). This missense change has been observed in individual(s) with clinical features of congenital myopathy (Invitae). ClinVar contains an entry for this variant (Variation ID: 1019753). Algorithms developed to predict the effect of missense changes on protein structure and function are either unavailable or do not agree on the potential impact of this missense change (SIFT: "Deleterious"; PolyPhen-2: "Not Available"; Align-GVGD: "Class C0"). In summary, the available evidence is currently insufficient to determine the role of this variant in disease. Therefore, it has been classified as a Variant of Uncertain Significance.